The following is an entry in ClinVar:

NM_001371623.1(TCOF1):c.4070C>T (p.Ala1357Val)

Gene: TCOF1 (treacle ribosome biogenesis factor 1; plus strand). Cytogenetic location: 5q32.
Variant type: single nucleotide variant.
Coding change: c.4070C>T on transcript NM_001371623.1 (MANE Select); coding-DNA position 4070, C replaced by T.
Protein change: p.Ala1357Val; replaces alanine 1357 with valine.
Molecular consequence: missense variant.
Genome position (GRCh38, 1-based): chr5:150,396,567, C>T. VCF-style: chr5-150396567-C-T. GRCh37 (hg19) VCF-style: chr5-149776130-C-T.
Other names: c.3836C>T, p.Ala1279Val (NM_000356.4); c.4067C>T, p.Ala1356Val (NM_001135243.2); c.3956C>T, p.Ala1319Val (NM_001135244.2); c.3839C>T, p.Ala1280Val (NM_001135245.2); c.3953C>T, p.Ala1318Val (NM_001195141.2); short protein forms A1318V, A1280V, A1319V, A1357V, A1279V, A1356V.
Identifiers: ClinVar variation 931082 (VCV000931082.34), dbSNP rs373129508, ClinGen allele CA3511657.

ClinVar aggregate classification (germline): Conflicting classifications of pathogenicity. Review status: criteria provided, conflicting classifications (1 of 4 stars). 5 submissions from 5 submitters: Uncertain significance (3); Likely benign (2). Last evaluated 2026-06-30.

Conditions:
TCOF1-related disorder. Also called: TCOF1-related condition.
Hearing impairment. Also called: Impaired Hearing. Identifiers: MedGen C1384666, MONDO:0005365, HP:0000365.
Treacher Collins syndrome 1 (TCS1). Also called: TCOF1-Related Treacher Collins Syndrome. Identifiers: Orphanet 861, MedGen CN315775, MONDO:0007944, OMIM 154500.

Allele frequency attached by ClinVar (database versions not stated): gnomAD 0.00009; TOPMed 0.00011; gnomAD exomes 0.00014; ESP Exome Variant Server 0.00023; ExAC 0.00029.
gnomAD v4.1: 201 of 1,581,200 alleles (0.013%); highest among the groups gnomAD compares: Middle Eastern, 0.035%; no homozygotes.

Submissions (5):

PreventionGenetics, part of Exact Sciences
Classification: Uncertain significance for TCOF1-related condition. Last evaluated: 2026-06-30. Review status: criteria provided, single submitter. Criteria: ACMG Guidelines, 2015. Collection method: clinical testing. Allele origin: germline.
Comment: The TCOF1 c.4067C>T variant is predicted to result in the amino acid substitution p.Ala1356Val. To our knowledge, this variant has not been reported in the literature. This variant is reported in 0.033% of alleles in individuals of European (Non-Finnish) descent in gnomAD. Although we suspect that this variant may be benign, at this time, the clinical significance of this variant is uncertain due to the absence of conclusive functional and genetic evidence.

Labcorp Genetics (formerly Invitae), Labcorp
Classification: Uncertain significance for Treacher Collins syndrome 1. Last evaluated: 2025-03-27. Review status: criteria provided, single submitter. Criteria: Invitae Variant Classification Sherloc (09022015). Collection method: clinical testing. Allele origin: germline.
Comment: This sequence change replaces alanine, which is neutral and non-polar, with valine, which is neutral and non-polar, at codon 1356 of the TCOF1 protein (p.Ala1356Val). This variant is present in population databases (rs373129508, gnomAD 0.03%), and has an allele count higher than expected for a pathogenic variant. This variant has not been reported in the literature in individuals affected with TCOF1-related conditions. ClinVar contains an entry for this variant (Variation ID: 931082). An algorithm developed to predict the effect of missense changes on protein structure and function outputs the following: PolyPhen-2: "Benign". The valine amino acid residue is found in multiple mammalian species, which suggests that this missense change does not adversely affect protein function. In summary, the available evidence is currently insufficient to determine the role of this variant in disease. Therefore, it has been classified as a Variant of Uncertain Significance.

CeGaT Center for Human Genetics Tuebingen
Classification: Likely benign. Last evaluated: 2023-05-01. Review status: criteria provided, single submitter. Criteria: CeGaT Center For Human Genetics Tuebingen Variant Classification Criteria Version 2. Collection method: clinical testing. Allele origin: germline. Affected: yes. Observed: 1 variant allele.
Comment: TCOF1: BP4

Department of Otolaryngology – Head & Neck Surgery, Cochlear Implant Center
Classification: Likely benign for Hearing impairment. Last evaluated: 2021-04-12. Review status: criteria provided, single submitter. Criteria: ClinGen HL ACMG Specifications v1. Collection method: clinical testing. Allele origin: germline. Affected: yes.
Comment: BS2_Strong, BP4_Supporting, BP5_Supporting

Centre for Mendelian Genomics, University Medical Centre Ljubljana
Classification: Uncertain significance for Treacher Collins syndrome 1. Last evaluated: 2019-03-01. Review status: criteria provided, single submitter. Criteria: ACMG Guidelines, 2015. Collection method: clinical testing. Allele origin: unknown. Affected: yes.
Comment: This variant was classified as: Uncertain significance. The available evidence on this variant's pathogenicity is insufficient or conflicting. The following ACMG criteria were applied in classifying this variant: BP4.